The following is an entry in ClinVar:

ClinVar aggregate classification (germline): Uncertain significance (1 of 4 stars; one submission).

Allele frequency attached by ClinVar (database versions not stated): ExAC 0.00018; gnomAD 0.00007; 1000 Genomes Project 0.00080; 1000 Genomes Project 30x 0.00062.
gnomAD v4.1: 97 of 1,612,744 alleles (0.006%); highest among the groups gnomAD compares: East Asian, 0.16%; 1 homozygote.

Submission:

GeneDx
Classification: Uncertain significance. Last evaluated: 2022-03-08. Review status: criteria provided, single submitter. Criteria: GeneDx Variant Classification Process June 2021. Collection method: clinical testing. Allele origin: germline. Affected: yes.
Comment: In silico analysis supports that this missense variant does not alter protein structure/function; Has not been previously published as pathogenic or benign to our knowledge

NM_001379659.1(ZNF142):c.140G>C (p.Arg47Pro)

Gene: ZNF142 (zinc finger protein 142; minus strand). Cytogenetic location: 2q35.
Variant type: single nucleotide variant.
Coding change: c.140G>C on transcript NM_001379659.1 (MANE Select); coding-DNA position 140, G replaced by C.
Protein change: p.Arg47Pro; replaces arginine 47 with proline.
Molecular consequence: missense variant.
Genome position (GRCh38, 1-based): chr2:218,656,290, C>G on the plus strand (G>C on the coding strand, the complement: ZNF142 is on the minus strand). VCF-style: chr2-218656290-C-G. GRCh37 (hg19) VCF-style: chr2-219521013-C-G.
Other names: c.-472G>C (NM_001366287.3, NM_001366288.3, NM_001366289.3); c.140G>C, p.Arg47Pro (NM_001366290.3, NM_001366291.3, NM_001367339.1 and 7 more transcripts); short protein forms R47P.
Identifiers: ClinVar variation 1707845 (VCV001707845.2), dbSNP rs569801884, ClinGen allele CA2109541.